The following is an entry in ClinVar:

NM_001111125.3(IQSEC2):c.1612C>G (p.Pro538Ala)

Gene: IQSEC2 (IQ motif and Sec7 domain ArfGEF 2; minus strand). Cytogenetic location: Xp11.22.
Variant type: single nucleotide variant.
Coding change: c.1612C>G on transcript NM_001111125.3 (MANE Select); coding-DNA position 1612, C replaced by G.
Protein change: p.Pro538Ala; replaces proline 538 with alanine.
Molecular consequence: missense variant.
Genome position (GRCh38, 1-based): chrX:53,250,964, G>C on the plus strand (C>G on the coding strand, the complement: IQSEC2 is on the minus strand). VCF-style: chrX-53250964-G-C. GRCh37 (hg19) VCF-style: chrX-53280146-G-C.
Other names: c.997C>G, p.Pro333Ala (NM_015075.2); short protein forms P333A, P538A.
Identifiers: ClinVar variation 1199235 (VCV001199235.4), dbSNP rs1556863445, ClinGen allele CA413165070.
Genomic context (GRCh38, chrX:53,250,964, plus strand): 5'-CTGGTGGAGGAACTGGCGGGAGAGGGGCTGGCGCCCAGAACTCGGGCCGGCCCTGGGGTG[G>C]GGGTTCTGTGCTGGGCAGTCGCTCAGGGGATTGTTGGGGAACTGTGTCATCCAGGTAGAG-3'
Protein context (NP_001104595.1, residues 528-548): SPERLPSTEP[Pro538Ala]PQGRPEFWAP

ClinVar aggregate classification (germline): Uncertain significance (1 of 4 stars; one submission).

Conditions:
IQSEC2-related X-linked neurodevelopmental disorder.

Allele frequency attached by ClinVar (database versions not stated): gnomAD 0.00001.

Submission:

Illumina Laboratory Services, Illumina
Classification: Uncertain significance for IQSEC2-related X-linked neurodevelopmental disorder. Last evaluated: 2020-12-22. Review status: criteria provided, single submitter. Criteria: ICSLVariantClassificationCriteria RUGD 01 April 2020. Collection method: clinical testing. Allele origin: unknown.
Comment: The IQSEC2 c.1612C>G (p.Pro538Ala) variant is a missense variant. A literature search was performed for the gene, cDNA change, and amino acid change. No publications were found based on this search. The p.Pro538Ala variant is reported at a frequency of 0.000019 in the European (Non-Finnish) population of the Genome Aggregation Database, though this is based on one allele in a region of good sequence coverage so the variant is presumed to be rare. Multiple computational tools that predict variant effects do not predict any deleterious effects for this variant. Furthermore, this missense variant is not located in any of the protein domains in which other known pathogenic missense variants are located (Shoubridge et al. 2019). Based on the limited evidence, the p.Pro538Ala variant is classified as a variant of uncertain significance for IQSEC2-related X-linked neurodevelopmental disorder.

Literature cited by the submitters: PubMed 30328660.